The following is an entry in ClinVar:

ClinVar aggregate classification (germline): Uncertain significance (1 of 4 stars; one submission).

Conditions:
Epidermolysis bullosa simplex 5C, with pyloric atresia (EBS5C). Also called: Epidermolysis bullosa simplex with pyloric atresia; PLEC-Related Epidermolysis Bullosa with Pyloric Atresia; PLEC1-Related Epidermolysis Bullosa with Pyloric Atresia. Identifiers: Orphanet 158684, MedGen C2677349, MONDO:0012807, OMIM 612138.
Epidermolysis bullosa simplex 5B, with muscular dystrophy (EBS5B). Also called: Epidermolysis bullosa simplex with muscular dystrophy; EPIDERMOLYSIS BULLOSA SIMPLEX AND LIMB-GIRDLE MUSCULAR DYSTROPHY. Identifiers: Orphanet 257, MedGen C2931072, MONDO:0009181, OMIM 226670.
Epidermolysis bullosa simplex, Ogna type (EBS5A). Also called: Pidermolysis bullosa simplex 5A, Ogna type; EPIDERMOLYSIS BULLOSA SIMPLEX 5A, OGNA TYPE. Identifiers: Orphanet 79401, MedGen C0432317, MONDO:0007555, OMIM 131950.
Epidermolysis bullosa simplex with nail dystrophy (EBS5D). Identifiers: MedGen C4225309, MONDO:0014661, OMIM 616487.
Autosomal recessive limb-girdle muscular dystrophy type 2Q (LGMDR17). Also called: MUSCULAR DYSTROPHY, LIMB-GIRDLE, AUTOSOMAL RECESSIVE 17. Identifiers: Orphanet 254361, MedGen C3150989, MONDO:0013390, OMIM 613723.

Submission:

Labcorp Genetics (formerly Invitae), Labcorp
Classification: Uncertain significance for Autosomal recessive limb-girdle muscular dystrophy type 2Q; Epidermolysis bullosa simplex, Ogna type; Epidermolysis bullosa simplex with nail dystrophy; Epidermolysis bullosa simplex 5C, with pyloric atresia; Epidermolysis bullosa simplex 5B, with muscular dystrophy. Last evaluated: 2018-10-26. Review status: criteria provided, single submitter. Criteria: Invitae Variant Classification Sherloc (09022015). Collection method: clinical testing. Allele origin: germline.
Comment: In summary, the available evidence is currently insufficient to determine the role of this variant in disease. Therefore, it has been classified as a Variant of Uncertain Significance. Experimental studies and prediction algorithms are not available for this variant, and the functional significance of the affected amino acids is currently unknown. This variant has not been reported in the literature in individuals with PLEC-related disease. This variant is not present in population databases (ExAC no frequency). This variant, c.5537_5563dup, results in the insertion of 9 amino acids to the PLEC protein (p.Leu1846_Gln1854dup), but otherwise preserves the integrity of the reading frame.

NM_201384.3(PLEC):c.5456_5482dup (p.Leu1819_Gln1827dup)

Gene: PLEC (plectin; minus strand). Cytogenetic location: 8q24.3.
Variant type: Duplication.
Coding change: c.5456_5482dup on transcript NM_201384.3 (MANE Select); coding-DNA positions 5456 to 5482, 27 bases duplicated (TGGCCGAGGAAGACGCGGCGCGGCAGC).
Protein change: p.Leu1819_Gln1827dup.
Molecular consequence: inframe insertion.
Genome position (GRCh38, 1-based): chr8:143,924,447-143,924,473, GCTGCCGCGCCGCGTCTTCCTCGGCCA duplicated on the plus strand (TGGCCGAGGAAGACGCGGCGCGGCAGC on the coding strand, the reverse complement: PLEC is on the minus strand); duplicating any 27 consecutive bases within chr8:143,924,447-143,924,481 gives the same sequence; the c. name uses the placement nearest the transcript's 3' end. VCF-style (leftmost placement, unchanged base first): chr8-143924446-C-CGCTGCCGCGCCGCGTCTTCCTCGGCCA. GRCh37 (hg19) VCF-style: chr8-144998614-C-CGCTGCCGCGCCGCGTCTTCCTCGGCCA.
Other names: c.5537_5563dup, p.Leu1846_Gln1854dup (NM_000445.5); c.5414_5440dup, p.Leu1805_Gln1813dup (NM_201378.4); c.5390_5416dup, p.Leu1797_Gln1805dup (NM_201379.3); c.5867_5893dup, p.Leu1956_Gln1964dup (NM_201380.4); c.5360_5386dup, p.Leu1787_Gln1795dup (NM_201381.3); c.5456_5482dup, p.Leu1819_Gln1827dup (NM_201382.4); c.5468_5494dup, p.Leu1823_Gln1831dup (NM_201383.3).
Identifiers: ClinVar variation 653979 (VCV000653979.6), dbSNP rs1167395407, ClinGen allele CA915948811.